The following is an entry in ClinVar:

NM_004364.5(CEBPA):c.926A>C (p.Glu309Ala)

Gene: CEBPA (CCAAT enhancer binding protein alpha; minus strand). Cytogenetic location: 19q13.11.
Variant type: single nucleotide variant.
Coding change: c.926A>C on transcript NM_004364.5 (MANE Select); coding-DNA position 926, A replaced by C.
Protein change: p.Glu309Ala; replaces glutamic acid 309 with alanine.
Molecular consequence: missense variant.
Genome position (GRCh38, 1-based): chr19:33,301,489, T>G on the plus strand (A>C on the coding strand, the complement: CEBPA is on the minus strand). VCF-style: chr19-33301489-T-G. GRCh37 (hg19) VCF-style: chr19-33792395-T-G.
Other names: c.569A>C, p.Glu190Ala (NM_001285829.2); c.1031A>C, p.Glu344Ala (NM_001287424.2); c.884A>C, p.Glu295Ala (NM_001287435.2); short protein forms E190A, E295A, E309A, E344A.
Identifiers: ClinVar variation 1026086 (VCV001026086.9), dbSNP rs1568419235, ClinGen allele CA405273909.

ClinVar aggregate classification (germline): Uncertain significance (1 of 4 stars; one submission).

Conditions:
Acute myeloid leukemia (AML). Also called: Acute myeloid leukemia, adult; AML adult; Acute non-lymphocytic leukemia; Acute granulocytic leukemia; Leukemia, acute myelogenous, somatic; Leukemia, acute myeloid, somatic. Identifiers: Orphanet 519, MedGen C0023467, MeSH D015470, MONDO:0018874, OMIM 601626, HP:0004808. Disease mechanism: Constitutively activated FLT3.

Submission:

Labcorp Genetics (formerly Invitae), Labcorp
Classification: Uncertain significance for Acute myeloid leukemia. Last evaluated: 2020-08-02. Review status: criteria provided, single submitter. Criteria: Invitae Variant Classification Sherloc (09022015). Collection method: clinical testing. Allele origin: germline.
Comment: In summary, the available evidence is currently insufficient to determine the role of this variant in disease. Therefore, it has been classified as a Variant of Uncertain Significance. Algorithms developed to predict the effect of missense changes on protein structure and function (SIFT, PolyPhen-2, Align-GVGD) all suggest that this variant is likely to be disruptive, but these predictions have not been confirmed by published functional studies and their clinical significance is uncertain. This variant has not been reported in the literature in individuals with CEBPA-related conditions. This variant is not present in population databases (ExAC no frequency). This sequence change replaces glutamic acid with alanine at codon 309 of the CEBPA protein (p.Glu309Ala). The glutamic acid residue is highly conserved and there is a moderate physicochemical difference between glutamic acid and alanine.